The following is an entry in ClinVar:

ClinVar aggregate classification (germline): Conflicting classifications of pathogenicity. Review status: criteria provided, conflicting classifications (1 of 4 stars). 2 submissions from 2 submitters: Uncertain significance (1); Likely benign (1). Last evaluated 2025-12-22.

Conditions:
Spermatogenic failure 18. Identifiers: MedGen C4539783, MONDO:0054615, OMIM 617576.
Ciliary dyskinesia, primary, 37 (CILD37). Also called: CILIARY DYSKINESIA, PRIMARY, 37, WITH OR WITHOUT SITUS INVERSUS. Identifiers: MedGen C4539798, MONDO:0033204, OMIM 617577.

Allele frequency attached by ClinVar (database versions not stated): ExAC 0.00025; gnomAD 0.00056 and 0.00060; TOPMed 0.00059; ESP Exome Variant Server 0.00071; 1000 Genomes Project 0.00100; 1000 Genomes Project 30x 0.00109.

Submissions (2):

Labcorp Genetics (formerly Invitae), Labcorp
Classification: Likely benign for Ciliary dyskinesia, primary, 37; Spermatogenic failure 18. Last evaluated: 2025-12-22. Review status: criteria provided, single submitter. Criteria: Invitae Variant Classification Sherloc (09022015). Collection method: clinical testing. Allele origin: germline.

GeneDx
Classification: Uncertain significance. Last evaluated: 2022-06-23. Review status: criteria provided, single submitter. Criteria: GeneDx Variant Classification Process June 2021. Collection method: clinical testing. Allele origin: germline. Affected: yes.
Comment: In silico analysis supports that this missense variant has a deleterious effect on protein structure/function; Has not been previously published as pathogenic or benign to our knowledge

NM_015512.5(DNAH1):c.7109A>C (p.Asp2370Ala)

Gene: DNAH1 (dynein axonemal heavy chain 1; plus strand). Cytogenetic location: 3p21.1.
Variant type: single nucleotide variant.
Coding change: c.7109A>C on transcript NM_015512.5 (MANE Select); coding-DNA position 7109, A replaced by C.
Protein change: p.Asp2370Ala; replaces aspartic acid 2370 with alanine.
Molecular consequence: missense variant.
Genome position (GRCh38, 1-based): chr3:52,375,363, A>C. VCF-style: chr3-52375363-A-C. GRCh37 (hg19) VCF-style: chr3-52409379-A-C.
Other names: short protein forms D2370A.
Identifiers: ClinVar variation 478485 (VCV000478485.9), dbSNP rs202011102, ClinGen allele CA2434755.